The following is an entry in ClinVar:

NM_004006.3(DMD):c.7783G>T (p.Val2595Phe)

Gene: DMD (dystrophin; minus strand). Cytogenetic location: Xp21.1.
Variant type: single nucleotide variant.
Coding change: c.7783G>T on transcript NM_004006.3 (MANE Select); coding-DNA position 7783, G replaced by T.
Protein change: p.Val2595Phe; replaces valine 2595 with phenylalanine.
Molecular consequence: missense variant.
Genome position (GRCh38, 1-based): chrX:31,679,464, C>A on the plus strand (G>T on the coding strand, the complement: DMD is on the minus strand). VCF-style: chrX-31679464-C-A. GRCh37 (hg19) VCF-style: chrX-31697581-C-A.
Other names: c.7759G>T, p.Val2587Phe (NM_000109.4); c.7771G>T, p.Val2591Phe (NM_004009.3); c.7414G>T, p.Val2472Phe (NM_004010.3); c.3760G>T, p.Val1254Phe (NM_004011.4); c.3751G>T, p.Val1251Phe (NM_004012.4); c.403G>T, p.Val135Phe (NM_004013.3, NM_004020.4, NM_004021.3 and 2 more transcripts); short protein forms V2595F, V1254F, V135F, V2591F, V1251F, V2472F, V2587F.
Identifiers: ClinVar variation 567297 (VCV000567297.10), dbSNP rs1254164861, ClinGen allele CA412656742.

ClinVar aggregate classification (germline): Conflicting classifications of pathogenicity. Review status: criteria provided, conflicting classifications (1 of 4 stars). 4 submissions from 4 submitters: Uncertain significance (1); Likely benign (2). 1 of the submissions does not count toward it. Last evaluated 2026-04-01.

Conditions:
Cardiovascular phenotype. Identifiers: MedGen CN230736.
Becker muscular dystrophy (BMD). Also called: Becker Muscular Dystrophy (BMD); MUSCULAR DYSTROPHY, PSEUDOHYPERTROPHIC PROGRESSIVE, BECKER TYPE. Identifiers: Orphanet 98895, MedGen C0917713, MONDO:0010311, OMIM 300376.
Cardiomyopathy (CMYO). Also called: Cardiomyopathies. Identifiers: Orphanet 167848, MedGen C0878544, MONDO:0004994, HP:0001638. Inheritance: Various modes of inheritance.
Dystrophin deficiency.
Duchenne muscular dystrophy (DMD). Also called: Duchenne Muscular Dystrophy (DMD); MUSCULAR DYSTROPHY, PSEUDOHYPERTROPHIC PROGRESSIVE, DUCHENNE TYPE. Identifiers: Orphanet 98896, MedGen C0013264, MONDO:0010679, OMIM 310200.

Allele frequency attached by ClinVar (database versions not stated): gnomAD exomes below 0.00001 and 0.00001.
gnomAD v4.1: 2 of 1,211,946 alleles (0.00017%); highest among the groups gnomAD compares: Non-Finnish European, 0.00011%; no homozygotes.

Submissions (4):

CeGaT Center for Human Genetics Tuebingen
Classification: Likely benign. Last evaluated: 2026-04-01. Review status: criteria provided, single submitter. Criteria: CeGaT Center For Human Genetics Tuebingen Variant Classification Criteria Version 2. Collection method: clinical testing. Allele origin: germline. Affected: yes. Observed: 1 variant allele.
Comment: DMD: BP4

Labcorp Genetics (formerly Invitae), Labcorp
Classification: Likely benign for Duchenne muscular dystrophy. Last evaluated: 2025-03-05. Review status: criteria provided, single submitter. Criteria: Invitae Variant Classification Sherloc (09022015). Collection method: clinical testing. Allele origin: germline.

Ambry Genetics
Classification: Uncertain significance for Cardiovascular phenotype. Last evaluated: 2024-08-16. Review status: criteria provided, single submitter. Criteria: Ambry Variant Classification Scheme 2023. Collection method: clinical testing. Allele origin: germline.
Comment: The p.V2595F variant (also known as c.7783G>T), located in coding exon 53 of the DMD gene, results from a G to T substitution at nucleotide position 7783. The valine at codon 2595 is replaced by phenylalanine, an amino acid with highly similar properties. Based on data from gnomAD, the T allele has an overall frequency of 0.0011% (2/182831) total alleles studied, with 1 hemizygote(s) observed. The highest observed frequency was 0.0134% (1/7472) of Ashkenazi Jewish alleles. This amino acid position is well conserved in available vertebrate species. In addition, this alteration is predicted to be tolerated by in silico analysis. Based on the available evidence, the clinical significance of this variant remains unclear.

Natera, Inc.
Classification: Uncertain significance for Becker muscular dystrophy; Cardiomyopathy; Duchenne muscular dystrophy; Dystrophin deficiency. Last evaluated: 2020-09-10. Review status: no assertion criteria provided. Collection method: clinical testing. Allele origin: germline. Not counted in ClinVar's aggregate classification.